The following is an entry in ClinVar:

NM_139343.3(BIN1):c.519+6G>T

Gene: BIN1 (bridging integrator 1; minus strand). Cytogenetic location: 2q14.3.
Variant type: single nucleotide variant.
Coding change: c.519+6G>T on transcript NM_139343.3 (MANE Select); 6 bases into the intron after coding-DNA position 519, G replaced by T.
Molecular consequence: intron variant.
Genome position (GRCh38, 1-based): chr2:127,068,918, C>A on the plus strand (G>T on the coding strand, the complement: BIN1 is on the minus strand). VCF-style: chr2-127068918-C-A. GRCh37 (hg19) VCF-style: chr2-127826494-C-A.
Other names: c.438+6G>T (NM_001320642.1); c.447+6G>T (NM_001320634.1); c.519+6G>T (NM_139351.3, NM_139350.3, NM_139349.3 and 10 more transcripts).
Identifiers: ClinVar variation 2416572 (VCV002416572.6), dbSNP rs2467400078, ClinGen allele CA2580063775.

ClinVar aggregate classification (germline): Uncertain significance (1 of 4 stars; one submission).

Conditions:
Myopathy, centronuclear, 2 (CNM2). Also called: MYOTUBULAR MYOPATHY, AUTOSOMAL RECESSIVE. Identifiers: Orphanet 169186, MedGen CN031787, MONDO:0009709, OMIM 255200.

Submission:

Labcorp Genetics (formerly Invitae), Labcorp
Classification: Uncertain significance for Myopathy, centronuclear, 2. Last evaluated: 2021-12-10. Review status: criteria provided, single submitter. Criteria: Invitae Variant Classification Sherloc (09022015). Collection method: clinical testing. Allele origin: germline.
Comment: In summary, the available evidence is currently insufficient to determine the role of this variant in disease. Therefore, it has been classified as a Variant of Uncertain Significance. Variants that disrupt the consensus splice site are a relatively common cause of aberrant splicing (PMID: 17576681, 9536098). Algorithms developed to predict the effect of sequence changes on RNA splicing suggest that this variant is not likely to affect RNA splicing. This variant has not been reported in the literature in individuals affected with BIN1-related conditions. This variant is not present in population databases (gnomAD no frequency). This sequence change falls in intron 6 of the BIN1 gene. It does not directly change the encoded amino acid sequence of the BIN1 protein. It affects a nucleotide within the consensus splice site.

Literature cited by the submitters: PubMed 17576681; PubMed 9536098.